The following is an entry in ClinVar:

NM_021830.5(TWNK):c.16C>T (p.Arg6Ter)

Gene: TWNK (twinkle mtDNA helicase; plus strand). Cytogenetic location: 10q24.31.
Variant type: single nucleotide variant.
Coding change: c.16C>T on transcript NM_021830.5 (MANE Select); coding-DNA position 16, C replaced by T.
Protein change: p.Arg6Ter; replaces arginine 6 with a stop codon.
Molecular consequence: nonsense. On other transcripts: non-coding transcript variant (4), intron variant (3).
Genome position (GRCh38, 1-based): chr10:100,988,226, C>T. VCF-style: chr10-100988226-C-T. GRCh37 (hg19) VCF-style: chr10-102747983-C-T.
Other names: c.16C>T, p.Arg6Ter (NM_001163812.2); c.-120+613C>T (NM_001163814.2, NM_001163813.2); c.-58+613C>T (NM_001368275.1); short protein forms R6*.
Identifiers: ClinVar variation 2109555 (VCV002109555.4), dbSNP rs888409241, ClinGen allele CA378205692.

ClinVar aggregate classification (germline): Pathogenic (1 of 4 stars; one submission).

gnomAD v4.1: 1 of 1,614,154 alleles (0.000062%); no homozygotes.

Submission:

Labcorp Genetics (formerly Invitae), Labcorp
Classification: Pathogenic. Last evaluated: 2022-03-11. Review status: criteria provided, single submitter. Criteria: Invitae Variant Classification Sherloc (09022015). Collection method: clinical testing. Allele origin: germline.
Comment: For these reasons, this variant has been classified as Pathogenic. This variant has not been reported in the literature in individuals affected with TWNK-related conditions. This variant is not present in population databases (gnomAD no frequency). This sequence change creates a premature translational stop signal (p.Arg6*) in the TWNK gene. It is expected to result in an absent or disrupted protein product. Loss-of-function variants in TWNK are known to be pathogenic (PMID: 21681116, 27551684, 31455392).

Literature cited by the submitters: PubMed 21681116; PubMed 27551684; PubMed 31455392.